The following is an entry in ClinVar:

ClinVar aggregate classification (germline): Uncertain significance. Review status: criteria provided, multiple submitters, no conflicts (2 of 4 stars). 2 submissions from 2 submitters: Uncertain significance (2). Last evaluated 2025-11-13.

Conditions:
Cutis laxa, autosomal dominant 2 (ADCL2). Identifiers: Orphanet 90348, MedGen C3280794, MONDO:0013751, OMIM 614434.

Allele frequency attached by ClinVar (database versions not stated): gnomAD exomes below 0.00001; TOPMed 0.00001.
gnomAD v4.1: 1 of 1,614,242 alleles (0.000062%); highest among the groups gnomAD compares: Admixed American, 0.0017%; no homozygotes.

Submissions (2):

Labcorp Genetics (formerly Invitae), Labcorp
Classification: Uncertain significance. Last evaluated: 2025-11-13. Review status: criteria provided, single submitter. Criteria: Invitae Variant Classification Sherloc (09022015). Collection method: clinical testing. Allele origin: germline.
Comment: This sequence change replaces valine, which is neutral and non-polar, with glutamic acid, which is acidic and polar, at codon 436 of the FBLN5 protein (p.Val436Glu). This variant is present in population databases (no rsID available, gnomAD 0.003%). This variant has not been reported in the literature in individuals affected with FBLN5-related conditions. ClinVar contains an entry for this variant (Variation ID: 1032428). Invitae Evidence Modeling of protein sequence and biophysical properties (such as structural, functional, and spatial information, amino acid conservation, physicochemical variation, residue mobility, and thermodynamic stability) indicates that this missense variant is not expected to disrupt FBLN5 protein function with a negative predictive value of 80%. In summary, the available evidence is currently insufficient to determine the role of this variant in disease. Therefore, it has been classified as a Variant of Uncertain Significance.

Baylor Genetics
Classification: Uncertain significance for Cutis laxa, autosomal dominant 2. Last evaluated: 2018-06-29. Review status: criteria provided, single submitter. Criteria: ACMG Guidelines, 2015. Collection method: clinical testing. Allele origin: maternal. Affected: yes.
Comment: This variant was determined to be of uncertain significance according to ACMG Guidelines, 2015 [PMID:25741868].

NM_006329.4(FBLN5):c.1307T>A (p.Val436Glu)

Gene: FBLN5 (fibulin 5; minus strand). Cytogenetic location: 14q32.12.
Variant type: single nucleotide variant.
Coding change: c.1307T>A on transcript NM_006329.4 (MANE Select); coding-DNA position 1307, T replaced by A.
Protein change: p.Val436Glu; replaces valine 436 with glutamic acid.
Molecular consequence: missense variant. On other transcripts: 3 prime UTR variant (2).
Genome position (GRCh38, 1-based): chr14:91,870,264, A>T on the plus strand (T>A on the coding strand, the complement: FBLN5 is on the minus strand). VCF-style: chr14-91870264-A-T. GRCh37 (hg19) VCF-style: chr14-92336608-A-T.
Other names: c.1430T>A, p.Val477Glu (NM_001384158.1); c.1358T>A, p.Val453Glu (NM_001384159.1); c.*91T>A (NM_001384160.1, NM_001384161.1); c.1139T>A, p.Val380Glu (NM_001384162.1); short protein forms V436E, V477E, V453E, V380E.
Identifiers: ClinVar variation 1032428 (VCV001032428.5), dbSNP rs1453600644, ClinGen allele CA390639053.